The following is an entry in ClinVar:

NC_000003.11:g.(?_57994292)_(57994603_?)del

Gene: FLNB (filamin B; plus strand). Cytogenetic location: 3p14.3.
Variant type: Deletion.
Identifiers: ClinVar variation 3246973 (VCV003246973.1).

ClinVar aggregate classification (germline): Pathogenic (1 of 4 stars; one submission).

Submission:

Labcorp Genetics (formerly Invitae), Labcorp
Classification: Pathogenic. Last evaluated: 2023-11-18. Review status: criteria provided, single submitter. Criteria: Invitae Variant Classification Sherloc (09022015). Collection method: clinical testing. Allele origin: unknown.
Comment: This variant is a gross deletion of the genomic region encompassing exon(s) 1 of the FLNB gene, which includes the initiator codon. This deletion extends beyond the assayed region for this gene and therefore may encompass additional genes. It is expected to result in an absent or disrupted protein product. Loss-of-function variants in FLNB are known to be pathogenic (PMID: 14991055). This variant has not been reported in the literature in individuals affected with FLNB-related conditions. For these reasons, this variant has been classified as Pathogenic.

Literature cited by the submitters: PubMed 14991055.